The following is an entry in ClinVar:

ClinVar aggregate classification (germline): Pathogenic. Review status: criteria provided, single submitter (1 of 4 stars). 2 submissions from 2 submitters: Pathogenic (1). 1 of the submissions does not count toward it. Last evaluated 2023-04-30.

Conditions:
Stickler syndrome type 1 (STL1). Also called: ARTHROOPHTHALMOPATHY, HEREDITARY PROGRESSIVE; STICKLER SYNDROME, MEMBRANOUS VITREOUS TYPE; STICKLER SYNDROME, VITREOUS TYPE 1; COL2A1-Related Stickler Syndrome. Identifiers: Orphanet 828, Orphanet 90653, MedGen C2020284, MONDO:0007160, OMIM 108300.

Submissions (2):

Labcorp Genetics (formerly Invitae), Labcorp
Classification: Pathogenic. Last evaluated: 2023-04-30. Review status: criteria provided, single submitter. Criteria: Invitae Variant Classification Sherloc (09022015). Collection method: clinical testing. Allele origin: germline.
Comment: ClinVar contains an entry for this variant (Variation ID: 17382). Studies have shown that disruption of this splice site alters mRNA splicing and is expected to lead to the loss of protein expression (PMID: 10706362). For these reasons, this variant has been classified as Pathogenic. This variant is also known as intron 25+1G>A. This sequence change affects a donor splice site in intron 25 of the COL2A1 gene. It is expected to disrupt RNA splicing. Variants that disrupt the donor or acceptor splice site typically lead to a loss of protein function (PMID: 16199547), and loss-of-function variants in COL2A1 are known to be pathogenic (PMID: 20179744). This variant is not present in population databases (gnomAD no frequency). Disruption of this splice site has been observed in individual(s) with autosomal dominant Stickler syndrome (PMID: 10706362). It has also been observed to segregate with disease in related individuals.

OMIM
Classification: Pathogenic for STICKLER SYNDROME, TYPE I. Last evaluated: 2000-02-28. Review status: no assertion criteria provided. Collection method: literature only. Allele origin: germline. Not counted in ClinVar's aggregate classification.

Literature cited by the submitters: PubMed 10706362 (cited by Labcorp Genetics (formerly Invitae), Labcorp and OMIM); PubMed 16199547 (cited by Labcorp Genetics (formerly Invitae), Labcorp); PubMed 20179744 (cited by Labcorp Genetics (formerly Invitae), Labcorp).

NM_001844.5(COL2A1):c.1680+1G>A

Gene: COL2A1 (collagen type II alpha 1 chain; minus strand). Cytogenetic location: 12q13.11.
Variant type: single nucleotide variant.
Coding change: c.1680+1G>A on transcript NM_001844.5 (MANE Select); the canonical splice donor site of the intron after coding-DNA position 1680, G replaced by A.
Molecular consequence: splice donor variant.
Genome position (GRCh38, 1-based): chr12:47,985,727, C>T on the plus strand (G>A on the coding strand, the complement: COL2A1 is on the minus strand). VCF-style: chr12-47985727-C-T. GRCh37 (hg19) VCF-style: chr12-48379510-C-T.
Other names: IVS25DS, G-A, +1; c.1473+1G>A (NM_033150.3).
Identifiers: ClinVar variation 17382 (VCV000017382.7), dbSNP rs1057524696, ClinGen allele CA384551312.
Genomic context (GRCh38, chr12:47,985,727, plus strand): 5'-GAGCCAGCCAGGAAGGGCCTGAGGGTCTGAAGCCAAGGGCAACAGCAGCTCTGCTACTTA[C>T]CCGGGCTCCAGGAAGGCCAGGTTCTCCAGGACGGCCAGGGTCACCGTTGGCTCCCTTGGG-3'